The following is an entry in ClinVar:

ClinVar aggregate classification (germline): Likely benign (1 of 4 stars; one submission).

Submission:

CeGaT Center for Human Genetics Tuebingen
Classification: Likely benign. Last evaluated: 2022-04-01. Review status: criteria provided, single submitter. Criteria: CeGaT Center For Human Genetics Tuebingen Variant Classification Criteria Version 2. Collection method: clinical testing. Allele origin: germline. Affected: yes. Observed: 1 variant allele.
Comment: NUP153: PM2:Supporting, BP4, BP7

NM_005124.4(NUP153):c.4392T>G (p.Gly1464=)

Gene: NUP153 (nucleoporin 153; minus strand). Cytogenetic location: 6p22.3.
Variant type: single nucleotide variant.
Coding change: c.4392T>G on transcript NM_005124.4 (MANE Select); coding-DNA position 4392, T replaced by G.
Protein change: p.Gly1464=; no amino-acid change (glycine 1464 retained).
Molecular consequence: synonymous variant.
Genome position (GRCh38, 1-based): chr6:17,616,133, A>C on the plus strand (T>G on the coding strand, the complement: NUP153 is on the minus strand). VCF-style: chr6-17616133-A-C. GRCh37 (hg19) VCF-style: chr6-17616364-A-C.
Other names: c.4485T>G, p.Gly1495= (NM_001278209.2); c.4266T>G, p.Gly1422= (NM_001278210.2).
Identifiers: ClinVar variation 2656257 (VCV002656257.24), dbSNP rs2481248498, ClinGen allele CA448758257.